The following is an entry in ClinVar:

NM_017514.5(PLXNA3):c.336C>T (p.Cys112=)

Gene: PLXNA3 (plexin A3; plus strand). Cytogenetic location: Xq28.
Variant type: single nucleotide variant.
Coding change: c.336C>T on transcript NM_017514.5 (MANE Select); coding-DNA position 336, C replaced by T.
Protein change: p.Cys112=; no amino-acid change (cysteine 112 retained).
Molecular consequence: synonymous variant.
Genome position (GRCh38, 1-based): chrX:154,460,519, C>T. VCF-style: chrX-154460519-C-T. GRCh37 (hg19) VCF-style: chrX-153688859-C-T.
Identifiers: ClinVar variation 3036965 (VCV003036965.2), dbSNP rs199705758, ClinGen allele CA10563665.
Genomic context (GRCh38, chrX:154,460,519, plus strand): 5'-CGTGGACAACATCAACAAGCTGCTGCTCATAGACTATGCGGCCCGCCGCCTGGTGGCCTG[C>T]GGCAGCATCTGGCAGGGCATCTGCCAGTTCCTGCGTCTGGACGACCTCTTCAAGCTGGGT-3'
Protein context (NP_059984.3, residues 102-122): IDYAARRLVA[Cys112=]GSIWQGICQF

ClinVar aggregate classification (germline): Likely benign (0 of 4 stars; one submission).

Conditions:
PLXNA3-related disorder. Also called: PLXNA3-related condition.

Allele frequency attached by ClinVar (database versions not stated): ESP Exome Variant Server 0.00010; ExAC 0.00011; gnomAD 0.00027; TOPMed 0.00053; 1000 Genomes Project 30x 0.00104; 1000 Genomes Project 0.00106.

Submission:

PreventionGenetics, part of Exact Sciences
Classification: Likely benign for PLXNA3-related condition. Last evaluated: 2021-06-28. Review status: no assertion criteria provided. Collection method: clinical testing. Allele origin: germline.
Comment: This variant is classified as likely benign based on ACMG/AMP sequence variant interpretation guidelines (Richards et al. 2015 PMID: 25741868, with internal and published modifications).